The following is an entry in ClinVar:

ClinVar aggregate classification (germline): Uncertain significance (1 of 4 stars; one submission).

Allele frequency attached by ClinVar (database versions not stated): TOPMed below 0.00001.

Submission:

Ambry Genetics
Classification: Uncertain significance. Last evaluated: 2023-07-10. Review status: criteria provided, single submitter. Criteria: Ambry Variant Classification Scheme 2023. Collection method: clinical testing. Allele origin: germline.
Comment: The p.I955M variant (also known as c.2865A>G), located in coding exon 16 of the POLQ gene, results from an A to G substitution at nucleotide position 2865. The isoleucine at codon 955 is replaced by methionine, an amino acid with highly similar properties. This amino acid position is conserved. In addition, this alteration is predicted to be tolerated by in silico analysis. Since supporting evidence is limited at this time, the clinical significance of this alteration remains unclear.

NM_199420.4(POLQ):c.2865A>G (p.Ile955Met)

Gene: POLQ (DNA polymerase theta; minus strand). Cytogenetic location: 3q13.33.
Variant type: single nucleotide variant.
Coding change: c.2865A>G on transcript NM_199420.4 (MANE Select); coding-DNA position 2865, A replaced by G.
Protein change: p.Ile955Met; replaces isoleucine 955 with methionine.
Molecular consequence: missense variant.
Genome position (GRCh38, 1-based): chr3:121,490,066, T>C on the plus strand (A>G on the coding strand, the complement: POLQ is on the minus strand). VCF-style: chr3-121490066-T-C. GRCh37 (hg19) VCF-style: chr3-121208913-T-C.
Other names: short protein forms I955M.
Identifiers: ClinVar variation 2625830 (VCV002625830.2), dbSNP rs2048053779, ClinGen allele CA354104207.